The following is an entry in ClinVar:

NM_024513.4(FYCO1):c.4265C>T (p.Thr1422Met)

Gene: FYCO1 (FYVE and coiled-coil domain autophagy adaptor 1; minus strand). Cytogenetic location: 3p21.31.
Variant type: single nucleotide variant.
Coding change: c.4265C>T on transcript NM_024513.4 (MANE Select); coding-DNA position 4265, C replaced by T.
Protein change: p.Thr1422Met; replaces threonine 1422 with methionine.
Molecular consequence: missense variant.
Genome position (GRCh38, 1-based): chr3:45,923,752, G>A on the plus strand (C>T on the coding strand, the complement: FYCO1 is on the minus strand). VCF-style: chr3-45923752-G-A. GRCh37 (hg19) VCF-style: chr3-45965244-G-A.
Other names: short protein forms T1422M.
Identifiers: ClinVar variation 468449 (VCV000468449.35), dbSNP rs35678722, ClinGen allele CA2352346.

ClinVar aggregate classification (germline): Benign/Likely benign. Review status: criteria provided, multiple submitters, no conflicts (2 of 4 stars). 5 submissions from 5 submitters: Benign (4); Likely benign (1). Last evaluated 2025-06-03.

Conditions:
Cataract 18 (CATC2). Also called: CATARACT 18, AUTOSOMAL RECESSIVE. Identifiers: Orphanet 91492, Orphanet 98991, Orphanet 98992, Orphanet 98995, MedGen C1864908, MONDO:0012395, OMIM 610019.

Allele frequency attached by ClinVar (database versions not stated): gnomAD exomes 0.00105; ExAC 0.00116; 1000 Genomes Project 0.00339; gnomAD 0.00371 and 0.00395; 1000 Genomes Project 30x 0.00390; TOPMed 0.00400; ESP Exome Variant Server 0.00446.

Submissions (5):

Labcorp Genetics (formerly Invitae), Labcorp
Classification: Benign for Cataract 18. Last evaluated: 2025-06-03. Review status: criteria provided, single submitter. Criteria: Invitae Variant Classification Sherloc (09022015). Collection method: clinical testing. Allele origin: germline.

Blueprint Genetics
Classification: Likely benign. Last evaluated: 2024-11-12. Review status: criteria provided, single submitter. Criteria: ACMG Guidelines, 2015. Collection method: clinical testing. Allele origin: germline.

CeGaT Center for Human Genetics Tuebingen
Classification: Benign. Last evaluated: 2024-04-01. Review status: criteria provided, single submitter. Criteria: CeGaT Center For Human Genetics Tuebingen Variant Classification Criteria Version 2. Collection method: clinical testing. Allele origin: germline. Affected: yes. Observed: 1 variant allele.
Comment: FYCO1: BP4, BS1, BS2

Illumina Laboratory Services, Illumina
Classification: Benign for Cataract 18. Last evaluated: 2018-01-12. Review status: criteria provided, single submitter. Criteria: ICSL Variant Classification Criteria 13 December 2019. Collection method: clinical testing. Allele origin: germline.
Comment: This variant was observed in the ICSL laboratory as part of a predisposition screen in an ostensibly healthy population. It had not been previously curated by ICSL or reported in the Human Gene Mutation Database (HGMD: prior to June 1st, 2018), and was therefore a candidate for classification through an automated scoring system. Utilizing variant allele frequency, disease prevalence and penetrance estimates, and inheritance mode, an automated score was calculated to assess if this variant is too frequent to cause the disease. Based on the score and internal cut-off values, a variant classified as benign is not then subjected to further curation. The score for this variant resulted in a classification of benign for this disease.

Breakthrough Genomics
Classification: Benign. Review status: criteria provided, single submitter. Criteria: ACMG Guidelines, 2015. Collection method: not provided. Allele origin: germline. Inheritance: Autosomal recessive inheritance. Affected: yes.